The following is an entry in ClinVar:

NM_001148.6(ANK2):c.11720A>T (p.Tyr3907Phe)

Gene: ANK2 (ankyrin 2; plus strand). Cytogenetic location: 4q26.
Variant type: single nucleotide variant.
Coding change: c.11720A>T on transcript NM_001148.6 (MANE Select); coding-DNA position 11720, A replaced by T.
Protein change: p.Tyr3907Phe; replaces tyrosine 3907 with phenylalanine.
Molecular consequence: missense variant. On other transcripts: intron variant (9).
Genome position (GRCh38, 1-based): chr4:113,373,310, A>T. VCF-style: chr4-113373310-A-T. GRCh37 (hg19) VCF-style: chr4-114294466-A-T.
Other names: c.5438A>T, p.Tyr1813Phe (NM_001127493.3); c.5477A>T, p.Tyr1826Phe (NM_001354225.2); c.5459A>T, p.Tyr1820Phe (NM_001354228.2); c.5444A>T, p.Tyr1815Phe (NM_001354230.2); c.5600A>T, p.Tyr1867Phe (NM_001354231.2); c.5594A>T, p.Tyr1865Phe (NM_001354232.2); c.5555A>T, p.Tyr1852Phe (NM_001354235.2); c.5363A>T, p.Tyr1788Phe (NM_001354236.2); and 50 more; short protein forms Y1813F, Y3907F, Y1005F, Y1747F, Y1812F, Y1822F, Y1831F, Y1843F.
Identifiers: ClinVar variation 3294500 (VCV003294500.1), dbSNP rs786205716.

ClinVar aggregate classification (germline): Uncertain significance (1 of 4 stars; one submission).

Conditions:
Cardiovascular phenotype. Identifiers: MedGen CN230736.

gnomAD v4.1: 1 of 1,614,208 alleles (0.000062%); highest among the groups gnomAD compares: Non-Finnish European, 0.000085%; no homozygotes.

Submission:

Ambry Genetics
Classification: Uncertain significance for Cardiovascular phenotype. Last evaluated: 2024-04-06. Review status: criteria provided, single submitter. Criteria: Ambry Variant Classification Scheme 2023. Collection method: clinical testing. Allele origin: germline.
Comment: The p.Y3907F variant (also known as c.11720A>T), located in coding exon 45 of the ANK2 gene, results from an A to T substitution at nucleotide position 11720. The tyrosine at codon 3907 is replaced by phenylalanine, an amino acid with highly similar properties. This amino acid position is conserved. In addition, the in silico prediction for this alteration is inconclusive. Based on the available evidence, the clinical significance of this variant remains unclear.